The following is an entry in ClinVar:

NM_001080467.3(MYO5B):c.*1404T>C

Genes: SNHG22 (small nucleolar RNA host gene 22; plus strand), MYO5B (myosin VB; minus strand). Cytogenetic location: 18q21.1.
Variant type: single nucleotide variant.
Coding change: c.*1404T>C on transcript NM_001080467.3 (MANE Select); 1404 bases downstream of the stop codon, T replaced by C.
Molecular consequence: 3 prime UTR variant.
Genome position (GRCh38, 1-based): chr18:49,825,067, A>G on the plus strand (T>C on the coding strand, the complement: MYO5B is on the minus strand). VCF-style: chr18-49825067-A-G. GRCh37 (hg19) VCF-style: chr18-47351437-A-G.
Identifiers: ClinVar variation 326969 (VCV000326969.5), dbSNP rs113054799, ClinGen allele CA10641547.

ClinVar aggregate classification (germline): Benign (1 of 4 stars; one submission).

Conditions:
Congenital microvillous atrophy (DIAR2). Also called: DAVIDSON DISEASE; MICROVILLUS ATROPHY, CONGENITAL; Microvillus inclusion disease; Diarrhea 2 with microvillus atrophy, with or without cholestasis; CONGENITAL FAMILIAL PROTRACTED DIARRHEA WITH ENTEROCYTE BRUSH-BORDER ABNORMALITIES. Identifiers: Orphanet 2290, MedGen C0341306, MONDO:0009635, OMIM 251850.

Allele frequency attached by ClinVar (database versions not stated): gnomAD 0.00695 and 0.00736; TOPMed 0.00793; 1000 Genomes Project 0.00839; 1000 Genomes Project 30x 0.00874.

Submission:

Illumina Laboratory Services, Illumina
Classification: Benign for Congenital microvillous atrophy. Last evaluated: 2018-01-13. Review status: criteria provided, single submitter. Criteria: ICSL Variant Classification Criteria 13 December 2019. Collection method: clinical testing. Allele origin: germline.
Comment: This variant was observed in the ICSL laboratory as part of a predisposition screen in an ostensibly healthy population. It had not been previously curated by ICSL or reported in the Human Gene Mutation Database (HGMD: prior to June 1st, 2018), and was therefore a candidate for classification through an automated scoring system. Utilizing variant allele frequency, disease prevalence and penetrance estimates, and inheritance mode, an automated score was calculated to assess if this variant is too frequent to cause the disease. Based on the score and internal cut-off values, a variant classified as benign is not then subjected to further curation. The score for this variant resulted in a classification of benign for this disease.